The following is an entry in ClinVar:

ClinVar aggregate classification (germline): Uncertain significance (1 of 4 stars; one submission).

Conditions:
Dyskeratosis congenita. Identifiers: Orphanet 1775, MedGen C0265965, MONDO:0015780.

Submission:

Labcorp Genetics (formerly Invitae), Labcorp
Classification: Uncertain significance for Dyskeratosis congenita. Last evaluated: 2021-08-14. Review status: criteria provided, single submitter. Criteria: Invitae Variant Classification Sherloc (09022015). Collection method: clinical testing. Allele origin: germline.
Comment: This sequence change replaces proline with alanine at codon 500 of the CTC1 protein (p.Pro500Ala). The proline residue is highly conserved and there is a small physicochemical difference between proline and alanine. This variant is not present in population databases (ExAC no frequency). This variant has not been reported in the literature in individuals affected with CTC1-related conditions. Algorithms developed to predict the effect of missense changes on protein structure and function output the following: SIFT: "Deleterious"; PolyPhen-2: "Benign"; Align-GVGD: "Class C0". The alanine amino acid residue is found in multiple mammalian species, which suggests that this missense change does not adversely affect protein function. In summary, the available evidence is currently insufficient to determine the role of this variant in disease. Therefore, it has been classified as a Variant of Uncertain Significance.

NM_025099.6(CTC1):c.1498C>G (p.Pro500Ala)

Gene: CTC1 (CST telomere replication complex component 1; minus strand). Cytogenetic location: 17p13.1.
Variant type: single nucleotide variant.
Coding change: c.1498C>G on transcript NM_025099.6 (MANE Select); coding-DNA position 1498, C replaced by G.
Protein change: p.Pro500Ala; replaces proline 500 with alanine.
Molecular consequence: missense variant. On other transcripts: non-coding transcript variant (1).
Genome position (GRCh38, 1-based): chr17:8,234,868, G>C on the plus strand (C>G on the coding strand, the complement: CTC1 is on the minus strand). VCF-style: chr17-8234868-G-C. GRCh37 (hg19) VCF-style: chr17-8138186-G-C.
Other names: short protein forms P500A.
Identifiers: ClinVar variation 1374874 (VCV001374874.6), dbSNP rs1359625369, ClinGen allele CA397984186.